The following is an entry in ClinVar:

NM_000350.3(ABCA4):c.5693G>A (p.Arg1898His)

Gene: ABCA4 (ATP binding cassette subfamily A member 4; minus strand). Cytogenetic location: 1p22.1.
Variant type: single nucleotide variant.
Coding change: c.5693G>A on transcript NM_000350.3 (MANE Select); coding-DNA position 5693, G replaced by A.
Protein change: p.Arg1898His; replaces arginine 1898 with histidine.
Molecular consequence: missense variant.
Genome position (GRCh38, 1-based): chr1:94,010,821, C>T on the plus strand (G>A on the coding strand, the complement: ABCA4 is on the minus strand). VCF-style: chr1-94010821-C-T. GRCh37 (hg19) VCF-style: chr1-94476377-C-T.
Other names: c.5471G>A, p.Arg1824His (NM_001425324.1); short protein forms R1898H, R1824H.
Identifiers: ClinVar variation 99398 (VCV000099398.80), dbSNP rs1800552, ClinGen allele CA227333.

ClinVar aggregate classification (germline): Conflicting classifications of pathogenicity. Review status: criteria provided, conflicting classifications (1 of 4 stars). 21 submissions from 19 submitters: Pathogenic (3); Uncertain significance (8); Likely benign (2). 8 of the submissions do not count toward it. Last evaluated 2026-09-21.

Conditions:
ABCA4-related disorder. Also called: ABCA4-related disorders; ABCA4-related condition. Identifiers: MedGen CN239167.
Inborn genetic diseases. Identifiers: MedGen C0950123, MeSH D030342.
Retinal dystrophy. Also called: Inherited retinal dystrophy. Identifiers: Orphanet 71862, MedGen C0854723, MeSH D058499, MONDO:0019118, HP:0000556.
Retinitis pigmentosa (RP). Identifiers: Orphanet 791, MedGen C0035334, MeSH D012174, MONDO:0019200, OMIM 268000. Inheritance: Autosomal dominant, autosomal recessive and X linked inheritance.
Age related macular degeneration 2. Also called: MACULAR DEGENERATION, SENILE; MACULOPATHY, AGE-RELATED, 2; MACULOPATHY, AGE-RELATED. Identifiers: MedGen C3495438, MONDO:0007932, OMIM 153800.
Cone-rod dystrophy 3 (CORD3). Identifiers: Orphanet 1872, MedGen C1858806, MONDO:0011395, OMIM 604116.
Stargardt disease (FFM). Also called: Fundus flavimaculatus; Stargardt's disease. Identifiers: Orphanet 827, MedGen C0271093, MONDO:0019353.
Severe early-childhood-onset retinal dystrophy (STGD1). Also called: MACULAR DYSTROPHY WITH FLECKS, TYPE 1; STGD; Stargardt macular dystrophy; Juvenile onset macular degeneration; Stargardt disease 1. Identifiers: Orphanet 364055, Orphanet 827, MedGen C1855465, MeSH D000080362, MONDO:0009549, OMIM 248200.

Allele frequency attached by ClinVar (database versions not stated): 1000 Genomes Project 30x 0.00031; 1000 Genomes Project 0.00040; TOPMed 0.00141; gnomAD 0.00147 and 0.00153; gnomAD exomes 0.00156 and 0.00179; ExAC 0.00178; ESP Exome Variant Server 0.00192.
gnomAD v4.1: 2,847 of 1,614,100 alleles (0.18%); highest among the groups gnomAD compares: Non-Finnish European, 0.21%; 3 homozygotes.

Submissions 1 to 10 of 21:

PreventionGenetics, part of Exact Sciences
Classification: Uncertain significance for ABCA4-related condition. Last evaluated: 2026-09-21. Review status: criteria provided, single submitter. Criteria: ACMG Guidelines, 2015. Collection method: clinical testing. Allele origin: germline.
Comment: The ABCA4 c.5693G>A variant is predicted to result in the amino acid substitution p.Arg1898His. This variant has been reported many times, often in the compound heterozygous state, in individuals with clinically diagnosed Stargardt disease (see for examples Rivera et al. 2000. PubMed ID: 10958763; Scholl et al. 2002. PubMed ID: 11923272). This variant has also been reported in patients with late-onset Stargardt disease and age-related macular degeneration (Fujinami et al. 2013. PubMed ID: 23953153; Rivera et al. 2000. PubMed ID: 10958763). However, this variant is reported in 0.25% of alleles in individuals of European (Non-Finnish) descent in gnomAD v2 (as displayed in the table above). In addition, in gnomAD v4 (available only on GRCh38), this variant is reported in multiple homozygous individuals, which is more frequent than expected for a pathogenic variant. This variant has more recently been reported in individuals with Stargardt disease who harbor two other ABCA4 variants which have been reported as more likely to be causative (Fujinami et al. 2019. PubMed ID: 29925512). An in vitro functional study determined that this amino acid substitution did not significantly affect the biochemical function of the ABCA4 protein compared to wildtype (Sun et al. 2000. PubMed ID: 11017087). This variant has conflicting classifications, from likely pathogenic to likely benign, in the ClinVar database. Although we suspect that this variant may be benign, at this time, the clinical significance of this variant is uncertain due to the conflicting evidence.

Labcorp Genetics (formerly Invitae), Labcorp
Classification: Likely benign. Last evaluated: 2026-02-03. Review status: criteria provided, single submitter. Criteria: Invitae Variant Classification Sherloc (09022015). Collection method: clinical testing. Allele origin: germline.

Blueprint Genetics
Classification: Uncertain significance. Last evaluated: 2024-11-18. Review status: criteria provided, single submitter. Criteria: ACMG Guidelines, 2015. Collection method: clinical testing. Allele origin: germline.

GeneDx
Classification: Uncertain significance. Last evaluated: 2024-09-30. Review status: criteria provided, single submitter. Criteria: GeneDx Variant Classification Process June 2021. Collection method: clinical testing. Allele origin: germline. Affected: yes.
Comment: Published functional studies demonstrate that the R1898H variant results in ATPase activity that is indistinguishable from wild type and has minimal effect on the structure and function of the protein (PMID: 11017087, 33375396); In silico analysis indicates that this missense variant does not alter protein structure/function; This variant is associated with the following publications: (PMID: 25087612, 32483926, 22229821, 20029649, 21293320, 9054934, 23953153, 15579991, 10958763, 31884623, 33375396, 22449572, 34426522, 33851411, 30718709, 31456290, 29207047, 29555955, 29925512, 28559085, 9295268, 28118664, 9973280, 11017087, 33749171, 35120629, 36460718, 32307445)

CeGaT Center for Human Genetics Tuebingen
Classification: Uncertain significance. Last evaluated: 2024-02-01. Review status: criteria provided, single submitter. Criteria: CeGaT Center For Human Genetics Tuebingen Variant Classification Criteria Version 2. Collection method: clinical testing. Allele origin: germline. Affected: yes. Observed: 3 variant alleles.
Comment: ABCA4: PM2, PM3, BP4, BP5

Institute of Human Genetics, University of Leipzig Medical Center
Classification: Pathogenic for Cone-rod dystrophy 3. Last evaluated: 2023-03-28. Review status: criteria provided, single submitter. Criteria: ACMG Guidelines, 2015. Collection method: clinical testing. Allele origin: paternal. Inheritance: Autosomal recessive inheritance. Affected: yes.
Comment: Criteria applied: PM3_VSTR,PM5

Institute of Human Genetics, University of Leipzig Medical Center
Classification: Pathogenic for Severe early-childhood-onset retinal dystrophy. Last evaluated: 2023-01-31. Review status: criteria provided, single submitter. Criteria: ACMG Guidelines, 2015. Collection method: clinical testing. Allele origin: unknown. Affected: yes.
Comment: _x000D_This variant was identified together with NM_000350.3:c.1622T>C, NM_000350.3:c.3113C>T, NM_000350.3:c.2588G>C and NM_000350.3:c.1411G>A. Criteria applied: PM3_VSTR, PM5_STR

Institute of Human Genetics, Univ. Regensburg, Univ. Regensburg
Classification: Uncertain significance for Retinal dystrophy. Last evaluated: 2023-01-01. Review status: criteria provided, single submitter. Criteria: ACMG Guidelines, 2015. Collection method: clinical testing. Allele origin: germline. Affected: yes.

Victorian Clinical Genetics Services, Murdoch Childrens Research Institute
Classification: Likely benign for Cone-rod dystrophy 3. Last evaluated: 2021-05-06. Review status: criteria provided, single submitter. Criteria: ACMG Guidelines, 2015. Collection method: clinical testing. Allele origin: germline. Inheritance: Autosomal recessive inheritance.
Comment: Based on the classification scheme VCGS_Germline_v1.3.4, this variant is classified as Likely Benign. Following criteria are met: 0102 - Loss of function is a known mechanism of disease in this gene and is associated with Stargardt disease (MIM #248200), cone-rod dystrophy 3 (MIM #6041163), fundus flavimaculatus (MIM #248200), early-onset severe retinal dystrophy (MIM #248200) and retinitis pigmentosa 19 (MIM #601718). (I) 0106 - This gene is associated with autosomal recessive disease. (I) 0115 - Variants in this gene are known to have variable expressivity. Affected siblings can have variable age of onset and severity of disease (PMID: 31522899). (I) 0200 - Variant is predicted to result in a missense amino acid change from arginine to histidine. (I) 0251 - This variant is heterozygous. (I) 0304 - Variant is present in gnomAD (v2) <0.01 for a recessive condition (438 heterozygotes, 0 homozygotes). (SP) 0309 - An alternative amino acid change at the same position has been observed in gnomAD (v2) (128 heterozygotes, 0 homozygotes). (I) 0504 - Same amino acid change has been observed in placental mammals. (SB) 0600 - Variant is located in the second transmembrane domain (TMD2; PMID: 33375396). (I) 0705 - No comparable missense variants have previous evidence for pathogenicity. However, an alternative change of stronger Grantham score (p.Arg1898Cys) has been reported as a VUS (ClinVar) and observed in several individuals with (PMID: 26743751, 25474345). (I) 0808 - Previous reports of pathogenicity for this variant are conflicting. This variant has been previously reported in patients with Stargardt disease and retinitis pigmentosa (PMID: 30718709; 10958763), however it has been classified as pathogenic, likely pathogenic, a VUS and likely benign (ClinVar). (I) 1004 - This variant has moderate functional evidence supporting normal protein function, with in vitro studies demonstrating a minimal effect on basal ATPase activity and robust N-Ret-PE-stimulated ATPase activity (PMID: 11017087; 33375396). (SB) 1208 - Inheritance information for this variant is not currently available in this individual. (I) Legend: (SP) - Supporting pathogenic, (I) - Information, (SB) - Supporting benign

Centre for Mendelian Genomics, University Medical Centre Ljubljana
Classification: Uncertain significance for Age related macular degeneration 2. Last evaluated: 2019-04-09. Review status: criteria provided, single submitter. Criteria: ACMG Guidelines, 2015. Collection method: clinical testing. Allele origin: unknown. Affected: yes.
Comment: This variant was classified as: Uncertain significance. The following ACMG criteria were applied in classifying this variant: PP5.